The following is an entry in ClinVar:

NM_001267550.2(TTN):c.43408G>C (p.Ala14470Pro)

Gene: TTN (titin; minus strand). Cytogenetic location: 2q31.2.
Variant type: single nucleotide variant.
Coding change: c.43408G>C on transcript NM_001267550.2 (MANE Select); coding-DNA position 43408, G replaced by C.
Protein change: p.Ala14470Pro; replaces alanine 14470 with proline.
Molecular consequence: missense variant.
Genome position (GRCh38, 1-based): chr2:178,632,598, C>G on the plus strand (G>C on the coding strand, the complement: TTN is on the minus strand). VCF-style: chr2-178632598-C-G. GRCh37 (hg19) VCF-style: chr2-179497325-C-G.
Other names: c.38485G>C, p.Ala12829Pro (NM_001256850.1); c.16213G>C, p.Ala5405Pro (NM_003319.4); c.35704G>C, p.Ala11902Pro (NM_133378.4); c.16588G>C, p.Ala5530Pro (NM_133432.3); c.16789G>C, p.Ala5597Pro (NM_133437.4); short protein forms A5405P, A14470P, A5597P, A12829P, A11902P, A5530P.
Identifiers: ClinVar variation 1776611 (VCV001776611.3), dbSNP rs766505487, ClinGen allele CA1995874.
Genomic context (GRCh38, chr2:178,632,598, plus strand): 5'-GTTTGCCACTTGTGTGCTTATCTTCAGCTTCAAACATGTATTTTGCTTCATCTTCAAAAG[C>G]AGCTGACTTGATCACCATTGAATGCTTAGTGCCATCCTTTATAAGCTCAAATCTGTCATC-3'
Protein context (NP_001254479.2, residues 14460-14480): TKHSMVIKSA[Ala14470Pro]FEDEAKYMFE

ClinVar aggregate classification (germline): Uncertain significance. Review status: criteria provided, multiple submitters, no conflicts (2 of 4 stars). 2 submissions from 2 submitters: Uncertain significance (2). Last evaluated 2025-04-24.

Conditions:
Cardiovascular phenotype. Identifiers: MedGen CN230736.

Allele frequency attached by ClinVar (database versions not stated): ExAC 0.00001; gnomAD 0.00003.
gnomAD v4.1: 46 of 1,613,290 alleles (0.0029%); highest among the groups gnomAD compares: Non-Finnish European, 0.0036%; no homozygotes.

Submissions (2):

Revvity Omics, Revvity
Classification: Uncertain significance. Last evaluated: 2025-04-24. Review status: criteria provided, single submitter. Criteria: ACMG Guidelines, 2015. Collection method: clinical testing. Allele origin: germline.

Ambry Genetics
Classification: Uncertain significance for Cardiovascular phenotype. Last evaluated: 2020-03-04. Review status: criteria provided, single submitter. Criteria: Ambry Variant Classification Scheme 2023. Collection method: clinical testing. Allele origin: germline.
Comment: The p.A5405P variant (also known as c.16213G>C), located in coding exon 62 of the TTN gene, results from a G to C substitution at nucleotide position 16213. The alanine at codon 5405 is replaced by proline, an amino acid with highly similar properties. This amino acid position is well conserved in available vertebrate species. In addition, this alteration is predicted to be tolerated by in silico analysis. Since supporting evidence is conflicting at this time, the clinical significance of this alteration remains unclear.